The following is an entry in ClinVar:

ClinVar aggregate classification (germline): Likely pathogenic (1 of 4 stars; one submission).

Conditions:
Adams-Oliver syndrome 4 (AOS4). Identifiers: Orphanet 974, MedGen C3809092, MONDO:0014124, OMIM 615297.

Submission:

First Genomix Gene Laboratory, Genetic Diagnostics Department
Classification: Likely pathogenic for Adams-Oliver syndrome 4. Last evaluated: 2025-01-11. Review status: criteria provided, single submitter. Criteria: ACMG Guidelines, 2015. Collection method: clinical testing. Allele origin: germline. Inheritance: Autosomal recessive inheritance. Affected: no. Observed: 1 variant allele.

NM_001278689.2(EOGT):c.924+1del

Gene: EOGT (EGF domain specific O-linked N-acetylglucosamine transferase; minus strand). Cytogenetic location: 3p14.1.
Variant type: Deletion.
Coding change: c.924+1del on transcript NM_001278689.2 (MANE Select); the canonical splice donor site of the intron after coding-DNA position 924, one base deleted (G; older notation c.924+1delG).
Molecular consequence: splice donor variant. On other transcripts: intron variant (2).
Genome position (GRCh38, 1-based): chr3:68,988,924, C deleted on the plus strand (G on the coding strand, the reverse complement: EOGT is on the minus strand); the first of 3 consecutive C bases (chr3:68,988,924-68,988,926); deleting any one gives the same sequence. VCF-style (leftmost placement, unchanged base first): chr3-68988923-AC-A. GRCh37 (hg19) VCF-style: chr3-69038074-AC-A.
Other names: c.832-1411delG (NM_173654.3); c.832-1411del (NM_173654.3).
Identifiers: ClinVar variation 4845664 (VCV004845664.1).